The following is an entry in ClinVar:

NM_032119.4(ADGRV1):c.4373C>G (p.Thr1458Ser)

Gene: ADGRV1 (adhesion G protein-coupled receptor V1; plus strand). Cytogenetic location: 5q14.3.
Variant type: single nucleotide variant.
Coding change: c.4373C>G on transcript NM_032119.4 (MANE Select); coding-DNA position 4373, C replaced by G.
Protein change: p.Thr1458Ser; replaces threonine 1458 with serine.
Molecular consequence: missense variant. On other transcripts: non-coding transcript variant (1).
Genome position (GRCh38, 1-based): chr5:90,653,947, C>G. VCF-style: chr5-90653947-C-G. GRCh37 (hg19) VCF-style: chr5-89949764-C-G.
Other names: c.4373C>G (NM_032119.3); short protein forms T1458S.
Identifiers: ClinVar variation 929891 (VCV000929891.8), dbSNP rs562424836, ClinGen allele CA121840053.

ClinVar aggregate classification (germline): Conflicting classifications of pathogenicity. Review status: criteria provided, conflicting classifications (1 of 4 stars). 3 submissions from 3 submitters: Uncertain significance (2); Likely benign (1). Last evaluated 2025-01-21.

Allele frequency attached by ClinVar (database versions not stated): gnomAD 0.00001; gnomAD exomes 0.00003.
gnomAD v4.1: 36 of 1,555,040 alleles (0.0023%); highest among the groups gnomAD compares: Non-Finnish European, 0.003%; no homozygotes.

Submissions (3):

GeneDx
Classification: Uncertain significance. Last evaluated: 2025-01-21. Review status: criteria provided, single submitter. Criteria: GeneDx Variant Classification Process June 2021. Collection method: clinical testing. Allele origin: germline. Affected: yes.
Comment: Not observed at significant frequency in large population cohorts (gnomAD); In silico analysis indicates that this missense variant does not alter protein structure/function; Has not been previously published as pathogenic or benign to our knowledge

Labcorp Genetics (formerly Invitae), Labcorp
Classification: Likely benign. Last evaluated: 2024-06-29. Review status: criteria provided, single submitter. Criteria: Invitae Variant Classification Sherloc (09022015). Collection method: clinical testing. Allele origin: germline.

Laboratory for Molecular Medicine, Mass General Brigham Personalized Medicine
Classification: Uncertain significance. Last evaluated: 2019-03-15. Review status: criteria provided, single submitter. Criteria: LMM Criteria. Collection method: clinical testing. Allele origin: germline. Observed: 1 variant allele.
Comment: Variant classified as Uncertain Significance - Favor Benign. The p.Thr1458Ser variant in ADGRV1 has not been previously reported in individuals with hearing loss or Usher syndrome but has been identified in 0.006% (5/79008) of European chromosomes by gnomAD. Computational prediction tools and conservation analysis suggest that this variant may not impact the protein, though this information is not predictive enough to rule out pathogenicity. In summary, the clinical significance of this variant is uncertain. ACMG/AMP Criteria applied: BP4, PM2_Supporting.